The following is an entry in ClinVar:

ClinVar aggregate classification (germline): Pathogenic. Review status: criteria provided, multiple submitters, no conflicts (2 of 4 stars). 2 submissions from 2 submitters: Pathogenic (2). Last evaluated 2019-09-08.

Conditions:
Hereditary cancer-predisposing syndrome. Also called: Hereditary neoplastic syndrome; Neoplastic Syndromes, Hereditary; Tumor predisposition; Hereditary Cancer Syndrome. Identifiers: Orphanet 140162, MedGen C0027672, MeSH D009386, MONDO:0015356.
Hereditary breast ovarian cancer syndrome. Also called: Hereditary breast and/or ovarian cancer syndrome; Hereditary breast and ovarian cancer syndrome; Hereditary breast and ovarian cancer syndrome (HBOC); Breast and ovarian cancer; BRCA1- and BRCA2-Associated Hereditary Breast and Ovarian Cancer; Hereditary breast and ovarian cancer. Identifiers: Orphanet 145, MedGen C0677776, MeSH D061325, MONDO:0003582. Disease mechanism: loss of function.

Submissions (2):

Ambry Genetics
Classification: Pathogenic for Hereditary cancer-predisposing syndrome. Last evaluated: 2019-09-08. Review status: criteria provided, single submitter. Criteria: Ambry Variant Classification Scheme 2023. Collection method: clinical testing. Allele origin: germline.
Comment: The c.3479dupA pathogenic mutation, located in coding exon 9 of the BRCA1 gene, results from a duplication of A at nucleotide position 3479, causing a translational frameshift with a predicted alternate stop codon (p.E1161Gfs*4). This alteration is expected to result in loss of function by premature protein truncation or nonsense-mediated mRNA decay. As such, this alteration is interpreted as a disease-causing mutation.

Labcorp Genetics (formerly Invitae), Labcorp
Classification: Pathogenic for Hereditary breast ovarian cancer syndrome. Last evaluated: 2019-08-08. Review status: criteria provided, single submitter. Criteria: Invitae Variant Classification Sherloc (09022015). Collection method: clinical testing. Allele origin: germline.
Comment: This variant has not been reported in the literature in individuals with BRCA1-related conditions. For these reasons, this variant has been classified as Pathogenic. Loss-of-function variants in BRCA1 are known to be pathogenic (PMID: 20104584). This variant is not present in population databases (ExAC no frequency). This sequence change creates a premature translational stop signal (p.Glu1161Glyfs*4) in the BRCA1 gene. It is expected to result in an absent or disrupted protein product.

Literature cited by the submitters: PubMed 20104584 (cited by Labcorp Genetics (formerly Invitae), Labcorp).

NM_007294.4(BRCA1):c.3479dup (p.Glu1161fs)

Genes: BRCA1 (BRCA1 DNA repair associated; minus strand), LOC126862571 (BRD4-independent group 4 enhancer GRCh37_chr17:41243136-41244335; plus strand). Cytogenetic location: 17q21.31.
Variant type: Duplication.
Coding change: c.3479dup on transcript NM_007294.4 (MANE Select); coding-DNA position 3479, one base duplicated (A; older notation c.3479dupA).
Protein change: p.Glu1161fs; shifts the reading frame from glutamic acid 1161.
Molecular consequence: frameshift variant. On other transcripts: intron variant (135).
Genome position (GRCh38, 1-based): chr17:43,092,052, T duplicated on the plus strand (A on the coding strand, the reverse complement: BRCA1 is on the minus strand); the first of 3 consecutive T bases (chr17:43,092,052-43,092,054); duplicating any one gives the same sequence. VCF-style (leftmost placement, unchanged base first): chr17-43092051-C-CT. GRCh37 (hg19) VCF-style: chr17-41244068-C-CT.
Other names: c.3479dup (NM_007294.3); c.3479dupA (NM_007294.3); c.3266dup, p.Glu1090fs (NM_001407571.1, NM_001407853.1, NM_001407894.1 and 9 more transcripts); c.3479dup, p.Glu1161fs (NM_001407581.1, NM_001407582.1, NM_001407583.1 and 30 more transcripts); c.3476dup, p.Glu1160fs (NM_001407587.1, NM_001407590.1, NM_001407591.1 and 22 more transcripts); c.3470dup, p.Glu1158fs (NM_001407646.1, NM_001407647.1); c.3356dup, p.Glu1120fs (NM_001407648.1, NM_001407664.1, NM_001407665.1 and 19 more transcripts); c.3353dup, p.Glu1119fs (NM_001407649.1, NM_001407670.1, NM_001407671.1 and 11 more transcripts); and 43 more; short protein forms E1161fs, E1114fs, E1034fs, E1049fs, E1072fs, E1091fs, E1158fs, E1160fs.
Identifiers: ClinVar variation 949797 (VCV000949797.11), dbSNP rs273899707, ClinGen allele CA1139665617.
Genomic context (GRCh38, chr17:43,092,051, plus strand): 5'-GCTTTTGCTAAAAACAGCAGAACTTTCCTTAATGTCATTTTCAGCAAAACTAGTATCTTC[C>CT]TTTATTTCACCATCATCTAACAGGTCATCAGGTGTCTCAGAACAAACCTGAGATGCATGA-3'